The following is an entry in ClinVar:

ClinVar aggregate classification (germline): Likely pathogenic. Review status: criteria provided, multiple submitters, no conflicts (2 of 4 stars). 2 submissions from 2 submitters: Likely pathogenic (2). Last evaluated 2024-07-22.

Conditions:
CNGA1-related disorder. Also called: CNGA1-related condition.

Allele frequency attached by ClinVar (database versions not stated): gnomAD exomes 0.00001.
gnomAD v4.1: 3 of 1,612,132 alleles (0.00019%); highest among the groups gnomAD compares: East Asian, 0.0067%; no homozygotes.

Submissions (2):

Blueprint Genetics
Classification: Likely pathogenic for CNGA1-related disorders. Last evaluated: 2024-07-22. Review status: criteria provided, single submitter. Criteria: ACMG Guidelines, 2015. Collection method: clinical testing. Allele origin: germline. Affected: yes. Observed: 2 variant alleles.

Labcorp Genetics (formerly Invitae), Labcorp
Classification: Likely pathogenic. Last evaluated: 2023-11-18. Review status: criteria provided, single submitter. Criteria: Invitae Variant Classification Sherloc (09022015). Collection method: clinical testing. Allele origin: germline.
Comment: This sequence change affects a donor splice site in intron 4 of the CNGA1 gene. It is expected to disrupt RNA splicing. Variants that disrupt the donor or acceptor splice site typically lead to a loss of protein function (PMID: 16199547), and loss-of-function variants in CNGA1 are known to be pathogenic (PMID: 7479749, 25268133). This variant is present in population databases (no rsID available, gnomAD 0.006%). This variant has not been reported in the literature in individuals affected with CNGA1-related conditions. ClinVar contains an entry for this variant (Variation ID: 2013477). Algorithms developed to predict the effect of sequence changes on RNA splicing suggest that this variant may disrupt the consensus splice site. In summary, the currently available evidence indicates that the variant is pathogenic, but additional data are needed to prove that conclusively. Therefore, this variant has been classified as Likely Pathogenic.

Literature cited by the submitters: PubMed 16199547 (cited by Labcorp Genetics (formerly Invitae), Labcorp); PubMed 7479749 (cited by Labcorp Genetics (formerly Invitae), Labcorp); PubMed 25268133 (cited by Labcorp Genetics (formerly Invitae), Labcorp).

NM_001379270.1(CNGA1):c.107+1G>A

Genes: CNGA1 (cyclic nucleotide gated channel subunit alpha 1; minus strand), LOC101927157 (uncharacterized LOC101927157; plus strand). Cytogenetic location: 4p12.
Variant type: single nucleotide variant.
Coding change: c.107+1G>A on transcript NM_001379270.1 (MANE Select); the canonical splice donor site of the intron after coding-DNA position 107, G replaced by A.
Molecular consequence: splice donor variant.
Genome position (GRCh38, 1-based): chr4:47,952,582, C>T on the plus strand (G>A on the coding strand, the complement: CNGA1 is on the minus strand). VCF-style: chr4-47952582-C-T. GRCh37 (hg19) VCF-style: chr4-47954599-C-T.
Other names: c.107+1G>A (NM_000087.5, NM_001142564.2).
Identifiers: ClinVar variation 2013477 (VCV002013477.5), dbSNP rs1314598960, ClinGen allele CA356836476.